The following is an entry in ClinVar:

ClinVar aggregate classification (germline): Uncertain significance (1 of 4 stars; one submission).

Conditions:
Lymphoproliferative syndrome 1 (LPFS1). Identifiers: Orphanet 238505, Orphanet 538963, MedGen C3552634, MONDO:0013081, OMIM 613011.

gnomAD v4.1: 2 of 1,614,116 alleles (0.00012%); no homozygotes.

Submission:

Labcorp Genetics (formerly Invitae), Labcorp
Classification: Uncertain significance for Lymphoproliferative syndrome 1. Last evaluated: 2023-07-17. Review status: criteria provided, single submitter. Criteria: Invitae Variant Classification Sherloc (09022015). Collection method: clinical testing. Allele origin: germline.
Comment: ClinVar contains an entry for this variant (Variation ID: 1362842). In summary, the available evidence is currently insufficient to determine the role of this variant in disease. Therefore, it has been classified as a Variant of Uncertain Significance. Advanced modeling of protein sequence and biophysical properties (such as structural, functional, and spatial information, amino acid conservation, physicochemical variation, residue mobility, and thermodynamic stability) performed at Invitae indicates that this missense variant is not expected to disrupt ITK protein function. This variant has not been reported in the literature in individuals affected with ITK-related conditions. This variant is not present in population databases (gnomAD no frequency). This sequence change replaces arginine, which is basic and polar, with glycine, which is neutral and non-polar, at codon 214 of the ITK protein (p.Arg214Gly).

NM_005546.4(ITK):c.640A>G (p.Arg214Gly)

Gene: ITK (IL2 inducible T cell kinase; plus strand). Cytogenetic location: 5q33.3.
Variant type: single nucleotide variant.
Coding change: c.640A>G on transcript NM_005546.4 (MANE Select); coding-DNA position 640, A replaced by G.
Protein change: p.Arg214Gly; replaces arginine 214 with glycine.
Molecular consequence: missense variant.
Genome position (GRCh38, 1-based): chr5:157,223,007, A>G. VCF-style: chr5-157223007-A-G. GRCh37 (hg19) VCF-style: chr5-156650017-A-G.
Other names: short protein forms R214G.
Identifiers: ClinVar variation 1362842 (VCV001362842.8), dbSNP rs369919319, ClinGen allele CA130142573.